The following is an entry in ClinVar:

ClinVar aggregate classification (germline): Uncertain significance (1 of 4 stars; one submission).

Conditions:
Hereditary cancer-predisposing syndrome. Also called: Neoplastic Syndromes, Hereditary; Tumor predisposition; Hereditary neoplastic syndrome; Hereditary Cancer Syndrome. Identifiers: Orphanet 140162, MedGen C0027672, MeSH D009386, MONDO:0015356.

Submission:

Ambry Genetics
Classification: Uncertain significance for Hereditary cancer-predisposing syndrome. Last evaluated: 2023-09-27. Review status: criteria provided, single submitter. Criteria: Ambry Variant Classification Scheme 2023. Collection method: clinical testing. Allele origin: germline.
Comment: The p.D293Y variant (also known as c.877G>T), located in coding exon 9 of the BRCA2 gene, results from a G to T substitution at nucleotide position 877. The aspartic acid at codon 293 is replaced by tyrosine, an amino acid with highly dissimilar properties. This amino acid position is conserved. In addition, this alteration is predicted to be tolerated by in silico analysis. Since supporting evidence is limited at this time, the clinical significance of this alteration remains unclear.

NM_000059.4(BRCA2):c.877G>T (p.Asp293Tyr)

Gene: BRCA2 (BRCA2 DNA repair associated; plus strand). Cytogenetic location: 13q13.1.
Variant type: single nucleotide variant.
Coding change: c.877G>T on transcript NM_000059.4 (MANE Select); coding-DNA position 877, G replaced by T.
Protein change: p.Asp293Tyr; replaces aspartic acid 293 with tyrosine.
Molecular consequence: missense variant. On other transcripts: non-coding transcript variant (1), intron variant (1).
Genome position (GRCh38, 1-based): chr13:32,332,355, G>T. VCF-style: chr13-32332355-G-T. GRCh37 (hg19) VCF-style: chr13-32906492-G-T.
Other names: c.877G>T, p.Asp293Tyr (NM_001406719.1, NM_001406720.1, NM_001406721.1); c.424+1325G>T (NM_001406722.1); short protein forms D293Y.
Identifiers: ClinVar variation 3229445 (VCV003229445.1), dbSNP rs2137465459, ClinGen allele CA387760631.